The following is an entry in ClinVar:

ClinVar aggregate classification (germline): Uncertain significance (1 of 4 stars; one submission).

Conditions:
Spermatogenic failure 18. Identifiers: MedGen C4539783, MONDO:0054615, OMIM 617576.
Ciliary dyskinesia, primary, 37 (CILD37). Also called: CILIARY DYSKINESIA, PRIMARY, 37, WITH OR WITHOUT SITUS INVERSUS. Identifiers: MedGen C4539798, MONDO:0033204, OMIM 617577.

Allele frequency attached by ClinVar (database versions not stated): TOPMed 0.00001.
gnomAD v4.1: 16 of 1,607,026 alleles (0.001%); highest among the groups gnomAD compares: African/African-American, 0.004%; no homozygotes.

Submission:

Labcorp Genetics (formerly Invitae), Labcorp
Classification: Uncertain significance for Ciliary dyskinesia, primary, 37; Spermatogenic failure 18. Last evaluated: 2024-02-23. Review status: criteria provided, single submitter. Criteria: Invitae Variant Classification Sherloc (09022015). Collection method: clinical testing. Allele origin: germline.
Comment: This sequence change replaces alanine, which is neutral and non-polar, with threonine, which is neutral and polar, at codon 365 of the DNAH1 protein (p.Ala365Thr). The frequency data for this variant in the population databases is considered unreliable, as metrics indicate poor data quality at this position in the gnomAD database. This variant has not been reported in the literature in individuals affected with DNAH1-related conditions. ClinVar contains an entry for this variant (Variation ID: 655289). An algorithm developed to predict the effect of missense changes on protein structure and function (PolyPhen-2) suggests that this variant is likely to be disruptive. In summary, the available evidence is currently insufficient to determine the role of this variant in disease. Therefore, it has been classified as a Variant of Uncertain Significance.

NM_015512.5(DNAH1):c.1093G>A (p.Ala365Thr)

Gene: DNAH1 (dynein axonemal heavy chain 1; plus strand). Cytogenetic location: 3p21.1.
Variant type: single nucleotide variant.
Coding change: c.1093G>A on transcript NM_015512.5 (MANE Select); coding-DNA position 1093, G replaced by A.
Protein change: p.Ala365Thr; replaces alanine 365 with threonine.
Molecular consequence: missense variant.
Genome position (GRCh38, 1-based): chr3:52,332,201, G>A. VCF-style: chr3-52332201-G-A. GRCh37 (hg19) VCF-style: chr3-52366217-G-A.
Other names: short protein forms A365T.
Identifiers: ClinVar variation 655289 (VCV000655289.4), dbSNP rs374001771, ClinGen allele CA2432870.
Genomic context (GRCh38, chr3:52,332,201, plus strand): 5'-GGAAGGCCACCCCTTCAGGTCTGTCAGTACTGGGTGCCACGGATCCAGCTTCTCTTCTGC[G>A]CTGAGGACCCTTGCATGTTCGCACAACGTGTGGTCCAGGCCAACGCCCTGCGCAAGAACA-3'
Protein context (NP_056327.4, residues 355-375): WVPRIQLLFC[Ala365Thr]EDPCMFAQRV